The following is an entry in ClinVar:

NM_012470.4(TNPO3):c.2633G>T (p.Gly878Val)

Gene: TNPO3 (transportin 3; minus strand). Cytogenetic location: 7q32.1.
Variant type: single nucleotide variant.
Coding change: c.2633G>T on transcript NM_012470.4 (MANE Select); coding-DNA position 2633, G replaced by T.
Protein change: p.Gly878Val; replaces glycine 878 with valine.
Molecular consequence: missense variant. On other transcripts: non-coding transcript variant (18).
Genome position (GRCh38, 1-based): chr7:128,967,358, C>A on the plus strand (G>T on the coding strand, the complement: TNPO3 is on the minus strand). VCF-style: chr7-128967358-C-A. GRCh37 (hg19) VCF-style: chr7-128607412-C-A.
Other names: c.2441G>T, p.Gly814Val (NM_001191028.3, NM_001382223.1); c.2735G>T, p.Gly912Val (NM_001382216.1); c.2714G>T, p.Gly905Val (NM_001382217.1); c.2633G>T, p.Gly878Val (NM_001382218.1); c.2525G>T, p.Gly842Val (NM_001382219.1); c.2492G>T, p.Gly831Val (NM_001382220.1); c.2489G>T, p.Gly830Val (NM_001382221.1); c.2486G>T, p.Gly829Val (NM_001382222.1); short protein forms G831V, G842V, G814V, G830V, G878V, G905V, G912V, G829V.
Identifiers: ClinVar variation 1486690 (VCV001486690.6), dbSNP rs1214636778, ClinGen allele CA369249999.

ClinVar aggregate classification (germline): Uncertain significance (1 of 4 stars; one submission).

Conditions:
Autosomal dominant limb-girdle muscular dystrophy type 1F (LGMDD2). Also called: Limb-girdle muscular dystrophy, type 1F; MUSCULAR DYSTROPHY, LIMB-GIRDLE, AUTOSOMAL DOMINANT 2. Identifiers: Orphanet 55595, MedGen C1842062, MONDO:0012034, OMIM 608423.

Allele frequency attached by ClinVar (database versions not stated): TOPMed below 0.00001; gnomAD 0.00001.

Submission:

Labcorp Genetics (formerly Invitae), Labcorp
Classification: Uncertain significance for Autosomal dominant limb-girdle muscular dystrophy type 1F. Last evaluated: 2021-11-04. Review status: criteria provided, single submitter. Criteria: Invitae Variant Classification Sherloc (09022015). Collection method: clinical testing. Allele origin: germline.
Comment: In summary, the available evidence is currently insufficient to determine the role of this variant in disease. Therefore, it has been classified as a Variant of Uncertain Significance. Algorithms developed to predict the effect of missense changes on protein structure and function (SIFT, PolyPhen-2, Align-GVGD) all suggest that this variant is likely to be tolerated. This variant has not been reported in the literature in individuals affected with TNPO3-related conditions. This variant is not present in population databases (gnomAD no frequency). This sequence change replaces glycine, which is neutral and non-polar, with valine, which is neutral and non-polar, at codon 878 of the TNPO3 protein (p.Gly878Val).